The following is an entry in ClinVar:

NM_000540.3(RYR1):c.7800T>C (p.Arg2600=)

Gene: RYR1 (ryanodine receptor 1; plus strand). Cytogenetic location: 19q13.2.
Variant type: single nucleotide variant.
Coding change: c.7800T>C on transcript NM_000540.3 (MANE Select); coding-DNA position 7800, T replaced by C.
Protein change: p.Arg2600=; no amino-acid change (arginine 2600 retained).
Molecular consequence: synonymous variant.
Genome position (GRCh38, 1-based): chr19:38,502,692, T>C. VCF-style: chr19-38502692-T-C. GRCh37 (hg19) VCF-style: chr19-38993332-T-C.
Other names: c.7800T>C, p.Arg2600= (NM_001042723.2).
Identifiers: ClinVar variation 668679 (VCV000668679.15), dbSNP rs762682222, ClinGen allele CA070302.
Genomic context (GRCh38, chr19:38,502,692, plus strand): 5'-CTCTATGCTGCATACCGTGTACCGCCTGTCTCGGGGTCGTTCGCTCACCAAGGCGCAGCG[T>C]GACGTCATCGAGGACTGCCTCATGTCGCTCTGCAGGTGGAGCGGGGCAGGCTTCAGGGTG-3'
Protein context (NP_000531.2, residues 2590-2610): SRGRSLTKAQ[Arg2600=]DVIEDCLMSL

ClinVar aggregate classification (germline): Conflicting classifications of pathogenicity. Review status: criteria provided, conflicting classifications (1 of 4 stars). 6 submissions from 6 submitters: Uncertain significance (1); Likely benign (5). Last evaluated 2026-07-01.

Conditions:
Malignant hyperthermia, susceptibility to, 1 (MHS1). Also called: Malignant hyperthermia suceptibility 1; RYR1-Related Malignant Hyperthermia Susceptibility; Anesthesia related hyperthermia; Malignant hyperpyrexia; Fulminating hyperpyrexia; Pharmacogenic myopathy. Identifiers: Orphanet 423, MedGen C2930980, MONDO:0007783, OMIM 145600.
RYR1-related disorder. Also called: RYR1-related disorders; RYR1-related condition. Identifiers: MedGen CN239331.

Allele frequency attached by ClinVar (database versions not stated): gnomAD exomes 0.00001 and 0.00003; ExAC 0.00002; gnomAD 0.00005.
gnomAD v4.1: 19 of 1,602,500 alleles (0.0012%); highest among the groups gnomAD compares: Admixed American, 0.027%; no homozygotes.

Submissions (6):

CeGaT Center for Human Genetics Tuebingen
Classification: Likely benign. Last evaluated: 2026-07-01. Review status: criteria provided, single submitter. Criteria: CeGaT Center For Human Genetics Tuebingen Variant Classification Criteria Version 2. Collection method: clinical testing. Allele origin: germline. Affected: yes. Observed: 1 variant allele.
Comment: RYR1: BP4, BP7

Labcorp Genetics (formerly Invitae), Labcorp
Classification: Likely benign for RYR1-related disorder. Last evaluated: 2025-09-28. Review status: criteria provided, single submitter. Criteria: Invitae Variant Classification Sherloc (09022015). Collection method: clinical testing. Allele origin: germline.

All of Us Research Program, National Institutes of Health
Classification: Likely benign for Malignant hyperthermia, susceptibility to, 1. Last evaluated: 2023-12-13. Review status: criteria provided, single submitter. Criteria: ACMG Guidelines, 2015. Collection method: clinical testing. Allele origin: germline. Inheritance: Autosomal dominant inheritance. Observed: 8 variant alleles, 8 heterozygotes.
Comment: This study involves interpretation of variants in research participants for the purpose of population health screening. Participant phenotype was not available at the time of variant classification. Additional details can be found in publication PMID: 35346344, PMCID: PMC8962531

Revvity Omics, Revvity
Classification: Uncertain significance. Last evaluated: 2023-03-31. Review status: criteria provided, single submitter. Criteria: ACMG Guidelines, 2015. Collection method: clinical testing. Allele origin: germline.

Color Diagnostics, LLC DBA Color Health
Classification: Likely benign for Malignant hyperthermia, susceptibility to, 1. Last evaluated: 2022-11-06. Review status: criteria provided, single submitter. Criteria: ACMG Guidelines, 2015. Collection method: clinical testing. Allele origin: germline.

GeneDx
Classification: Likely benign. Last evaluated: 2018-05-25. Review status: criteria provided, single submitter. Criteria: GeneDx Variant Classification (06012015). Collection method: clinical testing. Allele origin: germline. Affected: yes.
Comment: This variant is considered likely benign or benign based on one or more of the following criteria: it is a conservative change, it occurs at a poorly conserved position in the protein, it is predicted to be benign by multiple in silico algorithms, and/or has population frequency not consistent with disease.